The following is an entry in ClinVar:

ClinVar aggregate classification (germline): Uncertain significance. Review status: criteria provided, multiple submitters, no conflicts (2 of 4 stars). 2 submissions from 2 submitters: Uncertain significance (2). Last evaluated 2025-02-26.

Conditions:
Hereditary cancer-predisposing syndrome. Also called: Hereditary Cancer Syndrome; Hereditary neoplastic syndrome; Tumor predisposition; Neoplastic Syndromes, Hereditary. Identifiers: Orphanet 140162, MedGen C0027672, MeSH D009386, MONDO:0015356.

Submissions (2):

Ambry Genetics
Classification: Uncertain significance for Hereditary cancer-predisposing syndrome. Last evaluated: 2025-02-26. Review status: criteria provided, single submitter. Criteria: Ambry Variant Classification Scheme 2023. Collection method: clinical testing. Allele origin: germline.
Comment: The p.Q1341K variant (also known as c.4021C>A), located in coding exon 32 of the POLE gene, results from a C to A substitution at nucleotide position 4021. The glutamine at codon 1341 is replaced by lysine, an amino acid with similar properties. This amino acid position is conserved. In addition, this alteration is predicted to be tolerated by in silico analysis. Based on the available evidence, the clinical significance of this variant remains unclear.

Labcorp Genetics (formerly Invitae), Labcorp
Classification: Uncertain significance. Last evaluated: 2024-03-02. Review status: criteria provided, single submitter. Criteria: Invitae Variant Classification Sherloc (09022015). Collection method: clinical testing. Allele origin: germline.
Comment: This sequence change replaces glutamine, which is neutral and polar, with lysine, which is basic and polar, at codon 1341 of the POLE protein (p.Gln1341Lys). This variant is not present in population databases (gnomAD no frequency). This variant has not been reported in the literature in individuals affected with POLE-related conditions. ClinVar contains an entry for this variant (Variation ID: 842801). Advanced modeling of protein sequence and biophysical properties (such as structural, functional, and spatial information, amino acid conservation, physicochemical variation, residue mobility, and thermodynamic stability) performed at Invitae indicates that this missense variant is not expected to disrupt POLE protein function with a negative predictive value of 80%. In summary, the available evidence is currently insufficient to determine the role of this variant in disease. Therefore, it has been classified as a Variant of Uncertain Significance.

NM_006231.4(POLE):c.4021C>A (p.Gln1341Lys)

Gene: POLE (DNA polymerase epsilon, catalytic subunit; minus strand). Cytogenetic location: 12q24.33.
Variant type: single nucleotide variant.
Coding change: c.4021C>A on transcript NM_006231.4 (MANE Select); coding-DNA position 4021, C replaced by A.
Protein change: p.Gln1341Lys; replaces glutamine 1341 with lysine.
Molecular consequence: missense variant.
Genome position (GRCh38, 1-based): chr12:132,649,057, G>T on the plus strand (C>A on the coding strand, the complement: POLE is on the minus strand). VCF-style: chr12-132649057-G-T. GRCh37 (hg19) VCF-style: chr12-133225643-G-T.
Other names: c.4021C>A (NM_006231.2); short protein forms Q1341K.
Identifiers: ClinVar variation 842801 (VCV000842801.10), dbSNP rs2042354173, ClinGen allele CA387383996.
Genomic context (GRCh38, chr12:132,649,057, plus strand): 5'-TCAGCCTGATGCAGTGCAAGTCACTGCCAACGAGCGCCCACAGCCTGAACAGGCCGGCCT[G>T]GCTGGTCTCGCTGATCTGAAAGGCCACACGGACATACAGCACATCACAGGACACACTGGA-3'
Protein context (NP_006222.2, residues 1331-1351): WQIVQISETS[Gln1341Lys]AGLFRLWALV